The following is an entry in ClinVar:

ClinVar aggregate classification (germline): Pathogenic. Review status: reviewed by expert panel (3 of 4 stars). 2 submissions from 2 submitters: Pathogenic (1). 1 of the submissions does not count toward it. Last evaluated 2017-12-15.

Conditions:
Hereditary cancer-predisposing syndrome. Also called: Neoplastic Syndromes, Hereditary; Hereditary neoplastic syndrome; Tumor predisposition; Hereditary Cancer Syndrome. Identifiers: Orphanet 140162, MedGen C0027672, MeSH D009386, MONDO:0015356.
Breast-ovarian cancer, familial, susceptibility to, 2 (BROVCA2). Also called: BRCA2 Hereditary Breast and Ovarian Cancer. Identifiers: Orphanet 145, MedGen C2675520, MONDO:0012933, OMIM 612555. Disease mechanism: loss of function.

Submissions (2):

Evidence-based Network for the Interpretation of Germline Mutant Alleles (ENIGMA)
Classification: Pathogenic for Breast-ovarian cancer, familial, susceptibility to, 2. Last evaluated: 2017-12-15. Review status: reviewed by expert panel. Criteria: ENIGMA BRCA1/2 Classification Criteria (2017-06-29). Collection method: curation. Allele origin: germline. Study: ENIGMA.
Comment: Variant allele predicted to encode a truncated non-functional protein.

Color Diagnostics, LLC DBA Color Health
Classification: Pathogenic for Hereditary cancer-predisposing syndrome. Last evaluated: 2020-01-15. Review status: criteria provided, single submitter. Criteria: ACMG Guidelines, 2015. Collection method: clinical testing. Allele origin: germline. Not counted in ClinVar's aggregate classification.
Comment: This variant deletes 1 nucleotide in exon 20 of the BRCA2 gene, creating a frameshift and premature translation stop signal. This variant is expected to result in an absent or non-functional protein product. This variant has not been identified in the general population by the Genome Aggregation Database (gnomAD). Loss of BRCA2 function is a known mechanism of disease. Based on the available evidence, this variant is classified as Pathogenic.

NM_000059.4(BRCA2):c.8592del (p.Leu2865fs)

Gene: BRCA2 (BRCA2 DNA repair associated; plus strand). Cytogenetic location: 13q13.1.
Variant type: Deletion.
Coding change: c.8592del on transcript NM_000059.4 (MANE Select); coding-DNA position 8592, one base deleted (C; older notation c.8592delC).
Protein change: p.Leu2865fs; shifts the reading frame from leucine 2865.
Molecular consequence: frameshift variant.
Genome position (GRCh38, 1-based): chr13:32,371,060, C deleted; the last of 2 consecutive C bases (chr13:32,371,059-32,371,060); deleting either gives the same sequence. VCF-style (leftmost placement, unchanged base first): chr13-32371058-GC-G. GRCh37 (hg19) VCF-style: chr13-32945195-GC-G.
Other names: c.8592delC (NM_000059.3); short protein forms L2865fs.
Identifiers: ClinVar variation 548440 (VCV000548440.4), dbSNP rs1555287781, ClinGen allele CA658823597.
Genomic context (GRCh38, chr13:32,371,058, plus strand): 5'-GAAAGAGAGGAAGAAAAGGAAGCAGCAAAATATGTGGAGGCCCAACAAAAGAGACTAGAA[GC>G]CTTATTCACTAAAATTCAGGAGGAATTTGAAGAACATGAAGGTAAAATTAGTTATATGGT-3'